The following is an entry in ClinVar:

NM_033100.4(CDHR1):c.247G>C (p.Val83Leu)

Gene: CDHR1 (cadherin related family member 1; plus strand). Cytogenetic location: 10q23.1.
Variant type: single nucleotide variant.
Coding change: c.247G>C on transcript NM_033100.4 (MANE Select); coding-DNA position 247, G replaced by C.
Protein change: p.Val83Leu; replaces valine 83 with leucine.
Molecular consequence: missense variant.
Genome position (GRCh38, 1-based): chr10:84,196,600, G>C. VCF-style: chr10-84196600-G-C. GRCh37 (hg19) VCF-style: chr10-85956356-G-C.
Other names: c.247G>C, p.Val83Leu (NM_001171971.3); short protein forms V83L.
Identifiers: ClinVar variation 2082301 (VCV002082301.4), dbSNP rs2492466624, ClinGen allele CA377370392.

ClinVar aggregate classification (germline): Uncertain significance (1 of 4 stars; one submission).

Submission:

Labcorp Genetics (formerly Invitae), Labcorp
Classification: Uncertain significance. Last evaluated: 2023-10-30. Review status: criteria provided, single submitter. Criteria: Invitae Variant Classification Sherloc (09022015). Collection method: clinical testing. Allele origin: germline.
Comment: This sequence change replaces valine, which is neutral and non-polar, with leucine, which is neutral and non-polar, at codon 83 of the CDHR1 protein (p.Val83Leu). This variant is not present in population databases (gnomAD no frequency). This variant has not been reported in the literature in individuals affected with CDHR1-related conditions. ClinVar contains an entry for this variant (Variation ID: 2082301). Advanced modeling of protein sequence and biophysical properties (such as structural, functional, and spatial information, amino acid conservation, physicochemical variation, residue mobility, and thermodynamic stability) performed at Invitae indicates that this missense variant is not expected to disrupt CDHR1 protein function with a negative predictive value of 80%. In summary, the available evidence is currently insufficient to determine the role of this variant in disease. Therefore, it has been classified as a Variant of Uncertain Significance.